The following is an entry in ClinVar:

NM_015450.3(POT1):c.488A>T (p.Asp163Val)

Gene: POT1 (protection of telomeres 1; minus strand). Cytogenetic location: 7q31.33.
Variant type: single nucleotide variant.
Coding change: c.488A>T on transcript NM_015450.3 (MANE Select); coding-DNA position 488, A replaced by T.
Protein change: p.Asp163Val; replaces aspartic acid 163 with valine.
Molecular consequence: missense variant. On other transcripts: non-coding transcript variant (3).
Genome position (GRCh38, 1-based): chr7:124,863,408, T>A on the plus strand (A>T on the coding strand, the complement: POT1 is on the minus strand). VCF-style: chr7-124863408-T-A. GRCh37 (hg19) VCF-style: chr7-124503462-T-A.
Other names: c.95A>T, p.Asp32Val (NM_001042594.2); short protein forms D32V, D163V.
Identifiers: ClinVar variation 2702786 (VCV002702786.3), dbSNP rs2116541511, ClinGen allele CA369058919.

ClinVar aggregate classification (germline): Uncertain significance (1 of 4 stars; one submission).

Conditions:
Tumor predisposition syndrome 3 (TPDS3). Also called: Glioma susceptibility 9; LONG TELOMERE SYNDROME, POT1-RELATED; POT1 Tumor Predisposition; Melanoma, cutaneous malignant, susceptibility to, 10. Identifiers: Orphanet 618, MedGen C4014476, MONDO:0014368, OMIM 615848.

Submission:

Labcorp Genetics (formerly Invitae), Labcorp
Classification: Uncertain significance for Tumor predisposition syndrome 3. Last evaluated: 2023-12-13. Review status: criteria provided, single submitter. Criteria: Invitae Variant Classification Sherloc (09022015). Collection method: clinical testing. Allele origin: germline.
Comment: This sequence change replaces aspartic acid, which is acidic and polar, with valine, which is neutral and non-polar, at codon 163 of the POT1 protein (p.Asp163Val). This variant is not present in population databases (gnomAD no frequency). This variant has not been reported in the literature in individuals affected with POT1-related conditions. Advanced modeling of protein sequence and biophysical properties (such as structural, functional, and spatial information, amino acid conservation, physicochemical variation, residue mobility, and thermodynamic stability) performed at Invitae indicates that this missense variant is not expected to disrupt POT1 protein function with a negative predictive value of 80%. In summary, the available evidence is currently insufficient to determine the role of this variant in disease. Therefore, it has been classified as a Variant of Uncertain Significance.